The following is an entry in ClinVar:

NM_199420.4(POLQ):c.1975G>A (p.Glu659Lys)

Gene: POLQ (DNA polymerase theta; minus strand). Cytogenetic location: 3q13.33.
Variant type: single nucleotide variant.
Coding change: c.1975G>A on transcript NM_199420.4 (MANE Select); coding-DNA position 1975, G replaced by A.
Protein change: p.Glu659Lys; replaces glutamic acid 659 with lysine.
Molecular consequence: missense variant.
Genome position (GRCh38, 1-based): chr3:121,498,655, C>T on the plus strand (G>A on the coding strand, the complement: POLQ is on the minus strand). VCF-style: chr3-121498655-C-T. GRCh37 (hg19) VCF-style: chr3-121217502-C-T.
Other names: short protein forms E659K.
Identifiers: ClinVar variation 1783699 (VCV001783699.2), dbSNP rs2048143932, ClinGen allele CA354111063.

ClinVar aggregate classification (germline): Uncertain significance (1 of 4 stars; one submission).

Allele frequency attached by ClinVar (database versions not stated): gnomAD exomes below 0.00001; TOPMed 0.00001.
gnomAD v4.1: 1 of 1,610,756 alleles (0.000062%); highest among the groups gnomAD compares: African/African-American, 0.0013%; no homozygotes.

Submission:

Ambry Genetics
Classification: Uncertain significance. Last evaluated: 2022-06-06. Review status: criteria provided, single submitter. Criteria: Ambry Variant Classification Scheme 2023. Collection method: clinical testing. Allele origin: germline.
Comment: The p.E659K variant (also known as c.1975G>A), located in coding exon 13 of the POLQ gene, results from a G to A substitution at nucleotide position 1975. The glutamic acid at codon 659 is replaced by lysine, an amino acid with similar properties. This amino acid position is conserved. In addition, this alteration is predicted to be tolerated by in silico analysis. Since supporting evidence is limited at this time, the clinical significance of this alteration remains unclear.